The following is an entry in ClinVar:

ClinVar aggregate classification (germline): Uncertain significance. Review status: criteria provided, single submitter (1 of 4 stars). 2 submissions from 2 submitters: Uncertain significance (1). 1 of the submissions does not count toward it. Last evaluated 2026-01-27.

Conditions:
Glycine encephalopathy. Also called: Nonketotic hyperglycinemia; Non-ketotic hyperglycinemia. Identifiers: Orphanet 407, MedGen C0751748, MONDO:0011612, HP:0008288.

gnomAD v4.1: 2 of 1,613,818 alleles (0.00012%); highest among the groups gnomAD compares: South Asian, 0.0022%; no homozygotes.

Submissions (2):

Women's Health and Genetics/Laboratory Corporation of America, LabCorp
Classification: Uncertain significance. Last evaluated: 2026-01-27. Review status: criteria provided, single submitter. Criteria: LabCorp Variant Classification Summary - May 2015. Collection method: clinical testing. Allele origin: germline.
Comment: Variant summary: GLDC c.872G>C (p.Cys291Ser) results in a non-conservative amino acid change in the encoded protein sequence. Algorithms developed to predict the effect of missense changes on protein structure and function all suggest that this variant is likely to be disruptive. The variant allele was found at a frequency of 4e-06 in 251270 control chromosomes. The available data on variant occurrences in the general population are insufficient to allow any conclusion about variant significance. To our knowledge, no occurrence of c.872G>C in individuals affected with GLDC-related conditions and no experimental evidence demonstrating its impact on protein function have been reported. ClinVar contains an entry for this variant (Variation ID: 4068714). Based on the evidence outlined above, the variant was classified as uncertain significance.

Natera, Inc.
Classification: Uncertain significance for Non-ketotic hyperglycinemia. Last evaluated: 2025-02-12. Review status: no assertion criteria provided. Collection method: clinical testing. Allele origin: germline. Not counted in ClinVar's aggregate classification.

NM_000170.3(GLDC):c.872G>C (p.Cys291Ser)

Gene: GLDC (glycine decarboxylase; minus strand). Cytogenetic location: 9p24.1.
Variant type: single nucleotide variant.
Coding change: c.872G>C on transcript NM_000170.3 (MANE Select); coding-DNA position 872, G replaced by C.
Protein change: p.Cys291Ser; replaces cysteine 291 with serine.
Molecular consequence: missense variant.
Genome position (GRCh38, 1-based): chr9:6,604,774, C>G on the plus strand (G>C on the coding strand, the complement: GLDC is on the minus strand). VCF-style: chr9-6604774-C-G. GRCh37 (hg19) VCF-style: chr9-6604774-C-G.
Other names: short protein forms C291S.
Identifiers: ClinVar variation 4068714 (VCV004068714.2).